The following is an entry in ClinVar:

ClinVar aggregate classification (germline): Conflicting classifications of pathogenicity. Review status: criteria provided, conflicting classifications (1 of 4 stars). 3 submissions from 3 submitters: Likely pathogenic (1); Uncertain significance (2). Last evaluated 2025-03-17.

Conditions:
Nemaline myopathy. Also called: Myopathies, Nemaline. Identifiers: Orphanet 607, MedGen C0206157, MONDO:0018958.
Nemaline myopathy 2 (NEM2). Also called: Nemaline myopathy 2, autosomal recessive. Identifiers: MedGen C1850569, MONDO:0009725, OMIM 256030.

Allele frequency attached by ClinVar (database versions not stated): gnomAD exomes below 0.00001.
gnomAD v4.1: 1 of 1,613,574 alleles (0.000062%); highest among the groups gnomAD compares: Non-Finnish European, 0.000085%; no homozygotes.

Submissions (3):

Broad Center for Mendelian Genomics, Broad Institute of MIT and Harvard
Classification: Uncertain significance for Nemaline myopathy. Last evaluated: 2025-03-17. Review status: criteria provided, single submitter. Criteria: ACMG Guidelines, 2015. Collection method: curation. Allele origin: germline. Inheritance: Autosomal recessive inheritance.
Comment: The p.Ser3271Phe variant in NEB has not been previously reported in the literature in individuals with nemaline myopathy, but has been identified in 0.00008% (1/1179632) of European (non-Finnish) chromosomes by the Genome Aggregation Database (gnomAD; dbSNP ID: rs1192458685). Although this variant has been seen in the general population in a heterozygous state, its frequency is low enough to be consistent with a recessive carrier frequency. This variant has also been reported in ClinVar (Variation ID: 2434241) and has been interpreted as likely pathogenic by Rady Children's Institute for Genomic Medicine and a variant of uncertain significance by Revvity Omics. Computational prediction tools and conservation analyses do not provide strong support for or against an impact to the protein. In summary, the clinical significance of this variant is uncertain. ACMG/AMP Criteria applied: PM2_supporting (Richards 2015).

Revvity Omics, Revvity
Classification: Uncertain significance. Last evaluated: 2020-09-24. Review status: criteria provided, single submitter. Criteria: ACMG Guidelines, 2015. Collection method: clinical testing. Allele origin: germline.

Rady Children's Institute for Genomic Medicine, Rady Children's Hospital San Diego
Classification: Likely pathogenic for NEMALINE MYOPATHY 2. Review status: criteria provided, single submitter. Criteria: ACMG Guidelines, 2015. Collection method: clinical testing. Allele origin: germline. Affected: yes.
Comment: This variant has not been previously reported or functionally characterized in the literature to our knowledge. A different amino acid change at the same residue (p.Ser3271Tyr) has been previously reported together with a c.18676C>T (p.Gln6226*) in an individual with Nemaline Myopathy (PMID: 30369353). It is present in the heterozygous state in the gnomAD population database at a frequency of 0.0004015 % (1/249052) and thus is presumed to be rare. The c.9812C>T (p.Ser3271Phe) variant affects a highly conserved amino acid and is predicted by multiple in silico tools to have a deleterious effect on protein function. Based on the available evidence, the c.9812C>T (p.Ser3271Phe) variant is classified as Likely Pathogenic.

NM_001164508.2(NEB):c.9812C>T (p.Ser3271Phe)

Gene: NEB (nebulin; minus strand). Cytogenetic location: 2q23.3.
Variant type: single nucleotide variant.
Coding change: c.9812C>T on transcript NM_001164508.2 (MANE Select); coding-DNA position 9812, C replaced by T.
Protein change: p.Ser3271Phe; replaces serine 3271 with phenylalanine.
Molecular consequence: missense variant.
Genome position (GRCh38, 1-based): chr2:151,629,558, G>A on the plus strand (C>T on the coding strand, the complement: NEB is on the minus strand). VCF-style: chr2-151629558-G-A. GRCh37 (hg19) VCF-style: chr2-152486072-G-A.
Other names: NM_001164508.2(NEB):c.9812C>T; p.Ser3271Phe; c.9812C>T, p.Ser3271Phe (NM_001164507.2, NM_001271208.2); c.9083C>T, p.Ser3028Phe (NM_004543.5); c.9812C>T (NM_001164508.1); short protein forms S3028F, S3271F.
Identifiers: ClinVar variation 2434241 (VCV002434241.5), dbSNP rs1192458685, ClinGen allele CA348797830.
Genomic context (GRCh38, chr2:151,629,558, plus strand): 5'-CTTCATCCATCCATGTAAATATCTAGGGTGTTGCTACTCACATCACTGATAACGTCCCTG[G>A]AGGCCTTGGCAGCCACGATGGGGATGGCGTCACTTCGCAAGTCGTAGCCTTTCTTTTTTG-3'
Protein context (NP_001157980.2, residues 3261-3281): DAIPIVAAKA[Ser3271Phe]RDVISDYKYK